The following is an entry in ClinVar:

ClinVar aggregate classification (germline): Uncertain significance. Review status: criteria provided, multiple submitters, no conflicts (2 of 4 stars). 2 submissions from 2 submitters: Uncertain significance (2). Last evaluated 2024-08-01.

Allele frequency attached by ClinVar (database versions not stated): TOPMed below 0.00001; gnomAD exomes 0.00001.
gnomAD v4.1: 9 of 1,614,172 alleles (0.00056%); highest among the groups gnomAD compares: Non-Finnish European, 0.00076%; no homozygotes.

Submissions (2):

Labcorp Genetics (formerly Invitae), Labcorp
Classification: Uncertain significance. Last evaluated: 2024-08-01. Review status: criteria provided, single submitter. Criteria: Invitae Variant Classification Sherloc (09022015). Collection method: clinical testing. Allele origin: germline.
Comment: This sequence change replaces leucine, which is neutral and non-polar, with methionine, which is neutral and non-polar, at codon 355 of the TGM6 protein (p.Leu355Met). This variant is present in population databases (no rsID available, gnomAD 0.0009%). This variant has not been reported in the literature in individuals affected with TGM6-related conditions. ClinVar contains an entry for this variant (Variation ID: 1807230). Advanced modeling of protein sequence and biophysical properties (such as structural, functional, and spatial information, amino acid conservation, physicochemical variation, residue mobility, and thermodynamic stability) performed at Invitae indicates that this missense variant is not expected to disrupt TGM6 protein function with a negative predictive value of 80%. In summary, the available evidence is currently insufficient to determine the role of this variant in disease. Therefore, it has been classified as a Variant of Uncertain Significance.

Athena Diagnostics
Classification: Uncertain significance. Last evaluated: 2022-07-05. Review status: criteria provided, single submitter. Criteria: Athena Diagnostics Criteria. Collection method: clinical testing. Allele origin: unknown.

NM_198994.3(TGM6):c.1063C>A (p.Leu355Met)

Gene: TGM6 (transglutaminase 6; plus strand). Cytogenetic location: 20p13.
Variant type: single nucleotide variant.
Coding change: c.1063C>A on transcript NM_198994.3 (MANE Select); coding-DNA position 1063, C replaced by A.
Protein change: p.Leu355Met; replaces leucine 355 with methionine.
Molecular consequence: missense variant.
Genome position (GRCh38, 1-based): chr20:2,403,470, C>A. VCF-style: chr20-2403470-C-A. GRCh37 (hg19) VCF-style: chr20-2384116-C-A.
Other names: c.1063C>A, p.Leu355Met (NM_001254734.2); short protein forms L355M.
Identifiers: ClinVar variation 1807230 (VCV001807230.3), dbSNP rs1361249593, ClinGen allele CA408012390.